The following is an entry in ClinVar:

ClinVar aggregate classification (germline): Uncertain significance (1 of 4 stars; one submission).

Conditions:
Vici syndrome (VICIS). Identifiers: Orphanet 1493, MedGen C1855772, MONDO:0009452, OMIM 242840.

Allele frequency attached by ClinVar (database versions not stated): gnomAD exomes 0.00001.
gnomAD v4.1: 13 of 1,611,430 alleles (0.00081%); highest among the groups gnomAD compares: Non-Finnish European, 0.0011%; no homozygotes.

Submission:

Labcorp Genetics (formerly Invitae), Labcorp
Classification: Uncertain significance for Vici syndrome. Last evaluated: 2021-09-02. Review status: criteria provided, single submitter. Criteria: Invitae Variant Classification Sherloc (09022015). Collection method: clinical testing. Allele origin: germline.
Comment: This sequence change replaces alanine with valine at codon 783 of the EPG5 protein (p.Ala783Val). The alanine residue is moderately conserved and there is a small physicochemical difference between alanine and valine. This variant is not present in population databases (ExAC no frequency). This variant has not been reported in the literature in individuals affected with EPG5-related conditions. Algorithms developed to predict the effect of missense changes on protein structure and function are either unavailable or do not agree on the potential impact of this missense change (SIFT: "Deleterious"; PolyPhen-2: "Probably Damaging"; Align-GVGD: "Class C0"). In summary, the available evidence is currently insufficient to determine the role of this variant in disease. Therefore, it has been classified as a Variant of Uncertain Significance.

NM_020964.3(EPG5):c.2348C>T (p.Ala783Val)

Gene: EPG5 (ectopic P-granules 5 autophagy tethering factor; minus strand). Cytogenetic location: 18q21.1.
Variant type: single nucleotide variant.
Coding change: c.2348C>T on transcript NM_020964.3 (MANE Select); coding-DNA position 2348, C replaced by T.
Protein change: p.Ala783Val; replaces alanine 783 with valine.
Molecular consequence: missense variant.
Genome position (GRCh38, 1-based): chr18:45,930,740, G>A on the plus strand (C>T on the coding strand, the complement: EPG5 is on the minus strand). VCF-style: chr18-45930740-G-A. GRCh37 (hg19) VCF-style: chr18-43510706-G-A.
Other names: short protein forms A783V.
Identifiers: ClinVar variation 1496264 (VCV001496264.6), dbSNP rs1330678250, ClinGen allele CA402347262.